The following is an entry in ClinVar:

ClinVar aggregate classification (germline): Likely benign (1 of 4 stars; one submission).

Conditions:
EPHB2-related disorder. Also called: EPHB2-related condition.

Submission:

PreventionGenetics, part of Exact Sciences
Classification: Likely benign for EPHB2-related condition. Last evaluated: 2026-01-02. Review status: criteria provided, single submitter. Criteria: ACMG Guidelines, 2015. Collection method: clinical testing. Allele origin: germline.
Comment: This variant is classified as likely benign based on ACMG/AMP sequence variant interpretation guidelines (Richards et al. 2015 PMID: 25741868, with internal and published modifications).

NM_017449.5(EPHB2):c.*181_*183delinsAG

Gene: EPHB2 (EPH receptor B2; plus strand). Cytogenetic location: 1p36.12.
Variant type: Indel.
Coding change: c.*181_*183delinsAG on transcript NM_017449.5 (MANE Select); 181 bases downstream of the stop codon through 183 bases downstream of the stop codon, GGA replaced by AG.
Molecular consequence: 3 prime UTR variant. On other transcripts: frameshift variant (1).
Genome position (GRCh38, 1-based): chr1:22,913,751-22,913,753, GGA replaced by AG. VCF-style: chr1-22913751-GGA-AG. GRCh37 (hg19) VCF-style: chr1-23240244-GGA-AG.
Other names: c.*181_*183delinsAG (NM_001309192.2, NM_004442.7); c.3049_3051delinsAG, p.Gly1017fs (NM_001309193.2); short protein forms G1017fs.
Identifiers: ClinVar variation 4995122 (VCV004995122.1).